The following is an entry in ClinVar:

NM_001379500.1(COL18A1):c.2813C>G (p.Pro938Arg)

Genes: COL18A1 (collagen type XVIII alpha 1 chain; plus strand), SLC19A1 (solute carrier family 19 member 1; minus strand). Cytogenetic location: 21q22.3.
Variant type: single nucleotide variant.
Coding change: c.2813C>G on transcript NM_001379500.1 (MANE Select); coding-DNA position 2813, C replaced by G.
Protein change: p.Pro938Arg; replaces proline 938 with arginine.
Molecular consequence: missense variant.
Genome position (GRCh38, 1-based): chr21:45,504,501, C>G. VCF-style: chr21-45504501-C-G. GRCh37 (hg19) VCF-style: chr21-46924415-C-G.
Other names: c.3353C>G, p.Pro1118Arg (NM_030582.4); c.4058C>G, p.Pro1353Arg (NM_130444.3); short protein forms P1353R, P938R, P1118R.
Identifiers: ClinVar variation 1898144 (VCV001898144.3), dbSNP rs2037062781, ClinGen allele CA410499258.

ClinVar aggregate classification (germline): Uncertain significance (1 of 4 stars; one submission).

Allele frequency attached by ClinVar (database versions not stated): TOPMed below 0.00001.

Submission:

Labcorp Genetics (formerly Invitae), Labcorp
Classification: Uncertain significance. Last evaluated: 2022-07-12. Review status: criteria provided, single submitter. Criteria: Invitae Variant Classification Sherloc (09022015). Collection method: clinical testing. Allele origin: germline.
Comment: In summary, the available evidence is currently insufficient to determine the role of this variant in disease. Therefore, it has been classified as a Variant of Uncertain Significance. Experimental studies and prediction algorithms are not available or were not evaluated, and the functional significance of this variant is currently unknown. This variant has not been reported in the literature in individuals affected with COL18A1-related conditions. This variant is not present in population databases (gnomAD no frequency). This sequence change replaces proline, which is neutral and non-polar, with arginine, which is basic and polar, at codon 938 of the COL18A1 protein (p.Pro938Arg).